The following is an entry in ClinVar:

NM_000262.3(NAGA):c.561C>A (p.Cys187Ter)

Genes: NAGA (alpha-N-acetylgalactosaminidase; minus strand), LOC126863160 (CDK7 strongly-dependent group 2 enhancer GRCh37_chr22:42462918-42464117; plus strand). Cytogenetic location: 22q13.2.
Variant type: single nucleotide variant.
Coding change: c.561C>A on transcript NM_000262.3 (MANE Select); coding-DNA position 561, C replaced by A.
Protein change: p.Cys187Ter; replaces cysteine 187 with a stop codon.
Molecular consequence: nonsense.
Genome position (GRCh38, 1-based): chr22:42,066,746, G>T on the plus strand (C>A on the coding strand, the complement: NAGA is on the minus strand). VCF-style: chr22-42066746-G-T. GRCh37 (hg19) VCF-style: chr22-42462750-G-T.
Other names: c.561C>A, p.Cys187Ter (NM_001362848.1, NM_001362850.1); short protein forms C187*.
Identifiers: ClinVar variation 5013178 (VCV005013178.1).

ClinVar aggregate classification (germline): Pathogenic (1 of 4 stars; one submission).

Conditions:
Alpha-N-acetylgalactosaminidase deficiency. Identifiers: Orphanet 3137, MedGen C5848084, MONDO:0017779.

Submission:

Myriad Genetics, Inc.
Classification: Pathogenic for Alpha-N-acetylgalactosaminidase deficiency. Last evaluated: 2024-06-14. Review status: criteria provided, single submitter. Criteria: Myriad Autosomal Dominant, Autosomal Recessive and X-Linked Classification Criteria (2023). Collection method: clinical testing. Allele origin: unknown.
Comment: NM_000262.2(NAGA):c.561C>A(C187*) is expected to be pathogenic in the context of NAGA-related disorders. This variant is predicted to lead to an abnormal or absent protein product due to the creation of a premature termination codon in NAGA, a gene where loss-of-function variants are known to be pathogenic. Please note: this variant was assessed in the context of healthy population screening.